The following is an entry in ClinVar:

NM_001363711.2(DUOX2):c.1953G>C (p.Glu651Asp)

Gene: DUOX2 (dual oxidase 2; minus strand). Cytogenetic location: 15q21.1.
Variant type: single nucleotide variant.
Coding change: c.1953G>C on transcript NM_001363711.2 (MANE Select); coding-DNA position 1953, G replaced by C.
Protein change: p.Glu651Asp; replaces glutamic acid 651 with aspartic acid.
Molecular consequence: missense variant.
Genome position (GRCh38, 1-based): chr15:45,106,320, C>G on the plus strand (G>C on the coding strand, the complement: DUOX2 is on the minus strand). VCF-style: chr15-45106320-C-G. GRCh37 (hg19) VCF-style: chr15-45398518-C-G.
Other names: c.1953G>C, p.Glu651Asp (NM_014080.5); short protein forms E651D.
Identifiers: ClinVar variation 3666791 (VCV003666791.2).

ClinVar aggregate classification (germline): Uncertain significance (1 of 4 stars; one submission).

Submission:

Labcorp Genetics (formerly Invitae), Labcorp
Classification: Uncertain significance. Last evaluated: 2024-10-08. Review status: criteria provided, single submitter. Criteria: Invitae Variant Classification Sherloc (09022015). Collection method: clinical testing. Allele origin: germline.
Comment: This sequence change replaces glutamic acid, which is acidic and polar, with aspartic acid, which is acidic and polar, at codon 651 of the DUOX2 protein (p.Glu651Asp). This variant is not present in population databases (gnomAD no frequency). This variant has not been reported in the literature in individuals affected with DUOX2-related conditions. Invitae Evidence Modeling of protein sequence and biophysical properties (such as structural, functional, and spatial information, amino acid conservation, physicochemical variation, residue mobility, and thermodynamic stability) indicates that this missense variant is expected to disrupt DUOX2 protein function with a positive predictive value of 80%. In summary, the available evidence is currently insufficient to determine the role of this variant in disease. Therefore, it has been classified as a Variant of Uncertain Significance.